The following is an entry in ClinVar:

NM_000459.5(TEK):c.2362G>A (p.Val788Met)

Gene: TEK (TEK receptor tyrosine kinase; plus strand). Cytogenetic location: 9p21.2.
Variant type: single nucleotide variant.
Coding change: c.2362G>A on transcript NM_000459.5 (MANE Select); coding-DNA position 2362, G replaced by A.
Protein change: p.Val788Met; replaces valine 788 with methionine.
Molecular consequence: missense variant. On other transcripts: splice donor variant (3).
Genome position (GRCh38, 1-based): chr9:27,205,063, G>A. VCF-style: chr9-27205063-G-A. GRCh37 (hg19) VCF-style: chr9-27205061-G-A.
Other names: c.2233G>A, p.Val745Met (NM_001290077.2); c.1920+1G>A (NM_001290078.2); c.2361+1G>A (NM_001375475.1); c.2232+1G>A (NM_001375476.1); short protein forms V788M, V745M.
Identifiers: ClinVar variation 1988143 (VCV001988143.4), dbSNP rs374265341, ClinGen allele CA191300110.
Genomic context (GRCh38, chr9:27,205,063, plus strand): 5'-ATCATATTGCAATTGAAGAGGGCAAATGTGCAAAGGAGAATGGCCCAAGCCTTCCAAAAC[G>A]TGGTAGTGTCTCATCTTCCTACTAGCTAATAAGGGCAAGTCCAAGTACAGGCAGAACCTT-3'
Protein context (NP_000450.3, residues 778-798): QRRMAQAFQN[Val788Met]REEPAVQFNS

ClinVar aggregate classification (germline): Uncertain significance (1 of 4 stars; one submission).

gnomAD v4.1: 16 of 1,613,794 alleles (0.00099%); highest among the groups gnomAD compares: Admixed American, 0.01%; no homozygotes.

Submission:

Labcorp Genetics (formerly Invitae), Labcorp
Classification: Uncertain significance. Last evaluated: 2022-07-05. Review status: criteria provided, single submitter. Criteria: Invitae Variant Classification Sherloc (09022015). Collection method: clinical testing. Allele origin: germline.
Comment: Algorithms developed to predict the effect of missense changes on protein structure and function are either unavailable or do not agree on the potential impact of this missense change (SIFT: "Deleterious"; PolyPhen-2: "Possibly Damaging"; Align-GVGD: "Class C15"). Algorithms developed to predict the effect of sequence changes on RNA splicing suggest that this variant may disrupt the consensus splice site. In summary, the available evidence is currently insufficient to determine the role of this variant in disease. Therefore, it has been classified as a Variant of Uncertain Significance. This variant has not been reported in the literature in individuals affected with TEK-related conditions. This variant is present in population databases (no rsID available, gnomAD 0.01%). This sequence change replaces valine, which is neutral and non-polar, with methionine, which is neutral and non-polar, at codon 788 of the TEK protein (p.Val788Met).